The following is an entry in ClinVar:

ClinVar aggregate classification (germline): Uncertain significance (1 of 4 stars; one submission).

Conditions:
Hereditary cancer-predisposing syndrome. Also called: Tumor predisposition; Hereditary Cancer Syndrome; Hereditary neoplastic syndrome; Neoplastic Syndromes, Hereditary. Identifiers: Orphanet 140162, MedGen C0027672, MeSH D009386, MONDO:0015356.

Submission:

Ambry Genetics
Classification: Uncertain significance for Hereditary cancer-predisposing syndrome. Last evaluated: 2024-05-18. Review status: criteria provided, single submitter. Criteria: Ambry Variant Classification Scheme 2023. Collection method: clinical testing. Allele origin: germline.
Comment: The p.E1303K variant (also known as c.3907G>A), located in coding exon 26 of the ALK gene, results from a G to A substitution at nucleotide position 3907. The glutamic acid at codon 1303 is replaced by lysine, an amino acid with similar properties. This amino acid position is conserved. In addition, this alteration is predicted to be deleterious by in silico analysis. Based on the available evidence, the clinical significance of this variant remains unclear.

NM_004304.5(ALK):c.3907G>A (p.Glu1303Lys)

Gene: ALK (ALK receptor tyrosine kinase; minus strand). Cytogenetic location: 2p23.2.
Variant type: single nucleotide variant.
Coding change: c.3907G>A on transcript NM_004304.5 (MANE Select); coding-DNA position 3907, G replaced by A.
Protein change: p.Glu1303Lys; replaces glutamic acid 1303 with lysine.
Molecular consequence: missense variant.
Genome position (GRCh38, 1-based): chr2:29,207,202, C>T on the plus strand (G>A on the coding strand, the complement: ALK is on the minus strand). VCF-style: chr2-29207202-C-T. GRCh37 (hg19) VCF-style: chr2-29430068-C-T.
Other names: c.703G>A, p.Glu235Lys (NM_001353765.2); short protein forms E235K, E1303K.
Identifiers: ClinVar variation 3285003 (VCV003285003.1).